The following is an entry in ClinVar:

ClinVar aggregate classification (germline): Likely benign (0 of 4 stars; one submission).

Conditions:
SERPINF2-related disorder. Also called: SERPINF2-related condition.

Allele frequency attached by ClinVar (database versions not stated): gnomAD 0.00001; gnomAD exomes 0.00001; ExAC 0.00002; TOPMed 0.00002.
gnomAD v4.1: 22 of 1,614,046 alleles (0.0014%); highest among the groups gnomAD compares: Admixed American, 0.013%; no homozygotes.

Submission:

PreventionGenetics, part of Exact Sciences
Classification: Likely benign for SERPINF2-related condition. Last evaluated: 2019-09-05. Review status: no assertion criteria provided. Collection method: clinical testing. Allele origin: germline.
Comment: This variant is classified as likely benign based on ACMG/AMP sequence variant interpretation guidelines (Richards et al. 2015 PMID: 25741868, with internal and published modifications).

NM_000934.4(SERPINF2):c.1287C>T (p.Phe429=)

Gene: SERPINF2 (serpin family F member 2; plus strand). Cytogenetic location: 17p13.3.
Variant type: single nucleotide variant.
Coding change: c.1287C>T on transcript NM_000934.4 (MANE Select); coding-DNA position 1287, C replaced by T.
Protein change: p.Phe429=; no amino-acid change (phenylalanine 429 retained).
Molecular consequence: synonymous variant.
Genome position (GRCh38, 1-based): chr17:1,754,345, C>T. VCF-style: chr17-1754345-C-T. GRCh37 (hg19) VCF-style: chr17-1657639-C-T.
Other names: c.1287C>T, p.Phe429= (NM_001165920.1); c.1095C>T, p.Phe365= (NM_001165921.2).
Identifiers: ClinVar variation 3053153 (VCV003053153.2), dbSNP rs759438744, ClinGen allele CA8274427.